The following is an entry in ClinVar:

NM_003128.3(SPTBN1):c.6918C>G (p.Ile2306Met)

Genes: SPTBN1 (spectrin beta, non-erythrocytic 1; plus strand), SPTBN1-AS2 (SPTBN1 antisense RNA 2; minus strand). Cytogenetic location: 2p16.2.
Variant type: single nucleotide variant.
Coding change: c.6918C>G on transcript NM_003128.3 (MANE Select); coding-DNA position 6918, C replaced by G.
Protein change: p.Ile2306Met; replaces isoleucine 2306 with methionine.
Molecular consequence: missense variant.
Genome position (GRCh38, 1-based): chr2:54,668,392, C>G. VCF-style: chr2-54668392-C-G. GRCh37 (hg19) VCF-style: chr2-54895529-C-G.
Other names: short protein forms I2306M.
Identifiers: ClinVar variation 4997414 (VCV004997414.1).

ClinVar aggregate classification (germline): Uncertain significance (1 of 4 stars; one submission).

Conditions:
SPTBN1-related disorder. Also called: SPTBN1-related condition.

Submission:

PreventionGenetics, part of Exact Sciences
Classification: Uncertain significance for SPTBN1-related condition. Last evaluated: 2026-02-24. Review status: criteria provided, single submitter. Criteria: ACMG Guidelines, 2015. Collection method: clinical testing. Allele origin: germline.
Comment: The SPTBN1 c.6918C>G variant is predicted to result in the amino acid substitution p.Ile2306Met. To our knowledge, this variant has not been reported in the literature or in a large population database (gnomAD), indicating this variant is rare. At this time, the clinical significance of this variant is uncertain due to the absence of conclusive functional and genetic evidence.